The following is an entry in ClinVar:

NM_058004.4(PI4KA):c.5653C>T (p.Arg1885Cys)

Gene: PI4KA (phosphatidylinositol 4-kinase alpha; minus strand). Cytogenetic location: 22q11.21.
Variant type: single nucleotide variant.
Coding change: c.5653C>T on transcript NM_058004.4 (MANE Select); coding-DNA position 5653, C replaced by T.
Protein change: p.Arg1885Cys; replaces arginine 1885 with cysteine.
Molecular consequence: missense variant.
Genome position (GRCh38, 1-based): chr22:20,712,716, G>A on the plus strand (C>T on the coding strand, the complement: PI4KA is on the minus strand). VCF-style: chr22-20712716-G-A. GRCh37 (hg19) VCF-style: chr22-21067004-G-A.
Other names: c.5560C>T, p.Arg1854Cys (NM_001362862.2); c.5587C>T, p.Arg1863Cys (NM_001362863.2); short protein forms R1854C, R1863C, R1885C.
Identifiers: ClinVar variation 1705451 (VCV001705451.1), dbSNP rs1925469856, ClinGen allele CA410747006.

ClinVar aggregate classification (germline): Uncertain significance (1 of 4 stars; one submission).

Conditions:
Spastic paraplegia 84, autosomal recessive (SPG84). Identifiers: Orphanet 631079, MedGen C5562025, MONDO:0030482, OMIM 619621.

Allele frequency attached by ClinVar (database versions not stated): TOPMed below 0.00001; gnomAD 0.00001; gnomAD exomes 0.00001.
gnomAD v4.1: 8 of 1,550,424 alleles (0.00052%); highest among the groups gnomAD compares: African/African-American, 0.0027%; no homozygotes.

Submission:

3billion
Classification: Uncertain significance for Spastic paraplegia 84, autosomal recessive. Last evaluated: 2022-09-01. Review status: criteria provided, single submitter. Criteria: ACMG Guidelines, 2015. Collection method: clinical testing. Allele origin: germline. Affected: yes. Observed: 1 homozygote.
Comment: The variant is not observed in the gnomAD v3.1.2 dataset. In silico tool predictions suggest damaging effect of the variant on gene or gene product (REVEL: 0.88; 3Cnet: 0.99). Therefore, this variant is classified as uncertain significance according to the recommendation of ACMG/AMP guideline.